The following is an entry in ClinVar:

NM_012431.3(SEMA3E):c.602C>A (p.Ala201Glu)

Gene: SEMA3E (semaphorin 3E; minus strand). Cytogenetic location: 7q21.11.
Variant type: single nucleotide variant.
Coding change: c.602C>A on transcript NM_012431.3 (MANE Select); coding-DNA position 602, C replaced by A.
Protein change: p.Ala201Glu; replaces alanine 201 with glutamic acid.
Molecular consequence: missense variant.
Genome position (GRCh38, 1-based): chr7:83,408,436, G>T on the plus strand (C>A on the coding strand, the complement: SEMA3E is on the minus strand). VCF-style: chr7-83408436-G-T. GRCh37 (hg19) VCF-style: chr7-83037752-G-T.
Other names: c.422C>A, p.Ala141Glu (NM_001178129.2); short protein forms A141E, A201E.
Identifiers: ClinVar variation 3349898 (VCV003349898.1).

ClinVar aggregate classification (germline): Uncertain significance (0 of 4 stars; one submission).

Conditions:
SEMA3E-related disorder. Also called: SEMA3E-related condition.

gnomAD v4.1: 1 of 1,613,732 alleles (0.000062%); highest among the groups gnomAD compares: Non-Finnish European, 0.000085%; no homozygotes.

Submission:

PreventionGenetics, part of Exact Sciences
Classification: Uncertain significance for SEMA3E-related condition. Last evaluated: 2024-03-15. Review status: no assertion criteria provided. Collection method: clinical testing. Allele origin: germline.
Comment: The SEMA3E c.602C>A variant is predicted to result in the amino acid substitution p.Ala201Glu. To our knowledge, this variant has not been reported in the literature or in a large population database, indicating this variant is rare. At this time, the clinical significance of this variant is uncertain due to the absence of conclusive functional and genetic evidence.